The following is an entry in ClinVar:

NM_032444.4(SLX4):c.2620G>C (p.Gly874Arg)

Gene: SLX4 (SLX4 structure-specific endonuclease subunit; minus strand). Cytogenetic location: 16p13.3.
Variant type: single nucleotide variant.
Coding change: c.2620G>C on transcript NM_032444.4 (MANE Select); coding-DNA position 2620, G replaced by C.
Protein change: p.Gly874Arg; replaces glycine 874 with arginine.
Molecular consequence: missense variant.
Genome position (GRCh38, 1-based): chr16:3,591,018, C>G on the plus strand (G>C on the coding strand, the complement: SLX4 is on the minus strand). VCF-style: chr16-3591018-C-G. GRCh37 (hg19) VCF-style: chr16-3641019-C-G.
Other names: c.2620G>C (LRG_503t1); short protein forms G874R.
Identifiers: ClinVar variation 565436 (VCV000565436.10), dbSNP rs113420526, ClinGen allele CA7866118.
Genomic context (GRCh38, chr16:3,591,018, plus strand): 5'-CACCTGCTAGGAGTTGCCCAGAAACCGGACTGCCACCCTCCAGCCAGTCAGCGTCCTCGC[C>G]GGCACCCGCTGCCCTTTCTTCCTGGAGAAGCTTTCGCTGAGTAGCTGCAAATTCATAAAT-3'
Protein context (NP_115820.2, residues 864-884): LLQEERAAGA[Gly874Arg]EDADWLEGGS

ClinVar aggregate classification (germline): Uncertain significance. Review status: criteria provided, multiple submitters, no conflicts (2 of 4 stars). 2 submissions from 2 submitters: Uncertain significance (2). Last evaluated 2024-02-28.

Conditions:
Fanconi anemia complementation group P. Also called: SLX4-Related Fanconi Anemia. Identifiers: Orphanet 84, MedGen C3469542, MONDO:0013499, OMIM 613951.
Fanconi anemia (FA). Also called: Fanconi's anemia. Identifiers: Orphanet 84, MedGen C0015625, MeSH D005199, MONDO:0019391.

Allele frequency attached by ClinVar (database versions not stated): 1000 Genomes Project 30x 0.00016; 1000 Genomes Project 0.00020.
gnomAD v4.1: 2 of 1,614,158 alleles (0.00012%); highest among the groups gnomAD compares: East Asian, 0.0045%; no homozygotes.

Submissions (2):

Fulgent Genetics
Classification: Uncertain significance for Fanconi anemia complementation group P. Last evaluated: 2024-02-28. Review status: criteria provided, single submitter. Criteria: ACMG Guidelines, 2015. Collection method: clinical testing. Allele origin: germline.

Labcorp Genetics (formerly Invitae), Labcorp
Classification: Uncertain significance for Fanconi anemia. Last evaluated: 2018-01-14. Review status: criteria provided, single submitter. Criteria: Invitae Variant Classification Sherloc (09022015). Collection method: clinical testing. Allele origin: germline.
Comment: In summary, the available evidence is currently insufficient to determine the role of this variant in disease. Therefore, it has been classified as a Variant of Uncertain Significance. Algorithms developed to predict the effect of missense changes on protein structure and function (SIFT, PolyPhen-2, Align-GVGD) all suggest that this variant is likely to be tolerated, but these predictions have not been confirmed by published functional studies and their clinical significance is uncertain. This variant has not been reported in the literature in individuals with SLX4-related disease. This variant is present in population databases (rs113420526, ExAC 0.01%). This sequence change replaces glycine with arginine at codon 874 of the SLX4 protein (p.Gly874Arg). The glycine residue is weakly conserved and there is a moderate physicochemical difference between glycine and arginine.